The following is an entry in ClinVar:

ClinVar aggregate classification (germline): Uncertain significance (1 of 4 stars; one submission).

Conditions:
Inborn genetic diseases. Identifiers: MedGen C0950123, MeSH D030342.

Allele frequency attached by ClinVar (database versions not stated): gnomAD exomes below 0.00001; ExAC 0.00001.
gnomAD v4.1: 2 of 1,613,790 alleles (0.00012%); highest among the groups gnomAD compares: Admixed American, 0.0033%; no homozygotes.

Submission:

Ambry Genetics
Classification: Uncertain significance for Inborn genetic diseases. Last evaluated: 2022-11-05. Review status: criteria provided, single submitter. Criteria: Ambry Variant Classification Scheme 2023. Collection method: clinical testing. Allele origin: germline.
Comment: The p.L2139S variant (also known as c.6416T>C), located in coding exon 38 of the ATR gene, results from a T to C substitution at nucleotide position 6416. The leucine at codon 2139 is replaced by serine, an amino acid with dissimilar properties. This amino acid position is conserved. In addition, the in silico prediction for this alteration is inconclusive. Since supporting evidence is limited at this time, the clinical significance of this alteration remains unclear.

NM_001184.4(ATR):c.6416T>C (p.Leu2139Ser)

Gene: ATR (ATR checkpoint kinase; minus strand). Cytogenetic location: 3q23.
Variant type: single nucleotide variant.
Coding change: c.6416T>C on transcript NM_001184.4 (MANE Select); coding-DNA position 6416, T replaced by C.
Protein change: p.Leu2139Ser; replaces leucine 2139 with serine.
Molecular consequence: missense variant.
Genome position (GRCh38, 1-based): chr3:142,469,473, A>G on the plus strand (T>C on the coding strand, the complement: ATR is on the minus strand). VCF-style: chr3-142469473-A-G. GRCh37 (hg19) VCF-style: chr3-142188315-A-G.
Other names: c.6224T>C, p.Leu2075Ser (NM_001354579.2); short protein forms L2075S, L2139S.
Identifiers: ClinVar variation 2447371 (VCV002447371.2), dbSNP rs770913815, ClinGen allele CA2649339.